The following is an entry in ClinVar:

ClinVar aggregate classification (germline): Pathogenic. Review status: criteria provided, multiple submitters, no conflicts (2 of 4 stars). 4 submissions from 4 submitters: Pathogenic (3). 1 of the submissions does not count toward it. Last evaluated 2023-07-17.

Conditions:
RPGR-related disorder. Also called: RPGR-related condition.
Primary ciliary dyskinesia. Also called: Ciliary dyskinesia. Identifiers: Orphanet 244, MedGen C0008780, MONDO:0016575, HP:0012265.

Submissions (4):

Labcorp Genetics (formerly Invitae), Labcorp
Classification: Pathogenic for Primary ciliary dyskinesia. Last evaluated: 2023-07-17. Review status: criteria provided, single submitter. Criteria: Invitae Variant Classification Sherloc (09022015). Collection method: clinical testing. Allele origin: germline.
Comment: For these reasons, this variant has been classified as Pathogenic. This variant disrupts a region of the RPGR (ORF15) protein in which other variant(s) (p.Leu1130Lysfs*13) have been determined to be pathogenic (PMID: 22264887; Invitae). This suggests that this is a clinically significant region of the protein, and that variants that disrupt it are likely to be disease-causing. ClinVar contains an entry for this variant (Variation ID: 2138532). This premature translational stop signal has been observed in individual(s) with cone-rod dystrophy (PMID: 23150612). This variant is not present in population databases (gnomAD no frequency). This sequence change creates a premature translational stop signal (p.Glu989*) in the RPGR (ORF15) gene. While this is not anticipated to result in nonsense mediated decay, it is expected to disrupt the last 164 amino acid(s) of the RPGR (ORF15) protein.

GeneDx
Classification: Pathogenic. Last evaluated: 2022-10-17. Review status: criteria provided, single submitter. Criteria: GeneDx Variant Classification Process June 2021. Collection method: clinical testing. Allele origin: germline. Affected: yes.
Comment: Nonsense variant predicted to result in protein truncation or nonsense mediated decay in a gene for which loss of function is a known mechanism of disease; Not observed at significant frequency in large population cohorts (gnomAD); This variant is associated with the following publications: (PMID: 23150612)

Blueprint Genetics
Classification: Pathogenic for RPGR-related disorders. Last evaluated: 2021-10-15. Review status: criteria provided, single submitter. Criteria: ACMG Guidelines, 2015. Collection method: clinical testing. Allele origin: germline. Affected: yes. Observed: 3 variant alleles.

PreventionGenetics, part of Exact Sciences
Classification: Pathogenic for RPGR-related condition. Last evaluated: 2024-02-23. Review status: no assertion criteria provided. Collection method: clinical testing. Allele origin: germline. Not counted in ClinVar's aggregate classification.
Comment: The RPGR c.2965G>T variant is predicted to result in premature protein termination (p.Glu989*). This variant can also be denoted as g.ORF15+1212G>T. This variant has been reported in an individual with X-linked cone-rod dystrophy (Branham et al. 2012. PubMed ID: 23150612). This variant has not been reported in a large population database, indicating this variant is rare. Nonsense variants in RPGR are expected to be pathogenic. This variant is interpreted as pathogenic.

Literature cited by the submitters: PubMed 22264887 (cited by Labcorp Genetics (formerly Invitae), Labcorp); PubMed 23150612 (cited by Labcorp Genetics (formerly Invitae), Labcorp).

NM_001034853.2(RPGR):c.2965G>T (p.Glu989Ter)

Gene: RPGR (retinitis pigmentosa GTPase regulator; minus strand). Cytogenetic location: Xp11.4.
Variant type: single nucleotide variant.
Coding change: c.2965G>T on transcript NM_001034853.2 (MANE Select); coding-DNA position 2965, G replaced by T.
Protein change: p.Glu989Ter; replaces glutamic acid 989 with a stop codon.
Molecular consequence: nonsense. On other transcripts: intron variant (8).
Genome position (GRCh38, 1-based): chrX:38,286,034, C>A on the plus strand (G>T on the coding strand, the complement: RPGR is on the minus strand). VCF-style: chrX-38286034-C-A. GRCh37 (hg19) VCF-style: chrX-38145287-C-A.
Other names: c.1569+4925G>T (NM_001367249.1, NM_001367250.1); c.1902+1060G>T (NM_001367245.1); c.1386+4925G>T (NM_001367251.1); c.1719+1060G>T (NM_001367246.1); c.1572+4925G>T (NM_001367247.1); c.1905+1060G>T (NM_000328.3); c.1602+4925G>T (NM_001367248.1); c.2965G>T (NM_001034853.1); short protein forms E989*.
Identifiers: ClinVar variation 2138532 (VCV002138532.8), dbSNP rs1199880148, ClinGen allele CA412729341.